The following is an entry in ClinVar:

ClinVar aggregate classification (germline): Likely benign. Review status: criteria provided, multiple submitters, no conflicts (2 of 4 stars). 2 submissions from 2 submitters: Likely benign (2). Last evaluated 2026-01-11.

Conditions:
Dilated cardiomyopathy 1O (CMD1O). Also called: CARDIOMYOPATHY, DILATED, WITH VENTRICULAR TACHYCARDIA. Identifiers: Orphanet 154, MedGen C1837839, MONDO:0012062, OMIM 608569.

Allele frequency attached by ClinVar (database versions not stated): ExAC 0.00001; gnomAD exomes 0.00001; gnomAD 0.00005 and 0.00006; TOPMed 0.00006.
gnomAD v4.1: 16 of 1,587,550 alleles (0.001%); highest among the groups gnomAD compares: African/African-American, 0.02%; no homozygotes.

Submissions (2):

Labcorp Genetics (formerly Invitae), Labcorp
Classification: Likely benign for Dilated cardiomyopathy 1O. Last evaluated: 2026-01-11. Review status: criteria provided, single submitter. Criteria: Invitae Variant Classification Sherloc (09022015). Collection method: clinical testing. Allele origin: germline.

GeneDx
Classification: Likely benign. Last evaluated: 2017-04-13. Review status: criteria provided, single submitter. Criteria: GeneDx Variant Classification (06012015). Collection method: clinical testing. Allele origin: germline. Affected: yes.
Comment: This variant is considered likely benign or benign based on one or more of the following criteria: it is a conservative change, it occurs at a poorly conserved position in the protein, it is predicted to be benign by multiple in silico algorithms, and/or has population frequency not consistent with disease.

NM_020297.4(ABCC9):c.3566+15T>C

Gene: ABCC9 (ATP binding cassette subfamily C member 9; minus strand). Cytogenetic location: 12p12.1.
Variant type: single nucleotide variant.
Coding change: c.3566+15T>C on transcript NM_020297.4 (MANE Select); 15 bases into the intron after coding-DNA position 3566, T replaced by C.
Molecular consequence: intron variant.
Genome position (GRCh38, 1-based): chr12:21,838,063, A>G on the plus strand (T>C on the coding strand, the complement: ABCC9 is on the minus strand). VCF-style: chr12-21838063-A-G. GRCh37 (hg19) VCF-style: chr12-21990997-A-G.
Other names: c.2699+15T>C (NM_001377274.1); c.3566+15T>C (NM_005691.4, NM_001377273.1).
Identifiers: ClinVar variation 516452 (VCV000516452.8), dbSNP rs766079858, ClinGen allele CA6481098.